The following is an entry in ClinVar:

NM_003001.5(SDHC):c.-4C>G

Gene: SDHC (succinate dehydrogenase complex subunit C; plus strand). Cytogenetic location: 1q23.3.
Variant type: single nucleotide variant.
Coding change: c.-4C>G on transcript NM_003001.5 (MANE Select); 4 bases upstream of the start codon, C replaced by G.
Molecular consequence: 5 prime UTR variant. On other transcripts: non-coding transcript variant (1).
Genome position (GRCh38, 1-based): chr1:161,314,402, C>G. VCF-style: chr1-161314402-C-G. GRCh37 (hg19) VCF-style: chr1-161284192-C-G.
Other names: c.-4C>G (NM_001035511.3, NM_001035512.3, NM_001035513.3 and 6 more transcripts); c.-564C>G (NM_001407119.1); c.-233C>G (NM_001407120.1).
Identifiers: ClinVar variation 3070129 (VCV003070129.3), dbSNP rs1160334076, ClinGen allele CA526856674.
Genomic context (GRCh38, chr1:161,314,402, plus strand): 5'-GCGCGCCTCCGCCCTCGGGTGGCGGGGCCGCCTGGCGTCACTTCCGTCCAGACCGGAACC[C>G]AAGATGGCTGCGCTGTTGCTGAGGTGACTTCAGTGGGACTGGGAGTTGGTGCCTGCGGCC-3'

ClinVar aggregate classification (germline): Uncertain significance. Review status: criteria provided, multiple submitters, no conflicts (2 of 4 stars). 3 submissions from 3 submitters: Uncertain significance (3). Last evaluated 2025-05-20.

Conditions:
Hereditary cancer-predisposing syndrome. Also called: Hereditary neoplastic syndrome; Neoplastic Syndromes, Hereditary; Tumor predisposition; Hereditary Cancer Syndrome. Identifiers: Orphanet 140162, MedGen C0027672, MeSH D009386, MONDO:0015356.
Hereditary pheochromocytoma and paraganglioma. Also called: Hereditary pheochromocytoma-paraganglioma; Hereditary Paraganglioma-Pheochromocytoma Syndromes; Hereditary paragangliomas and pheochromocytomas. Identifiers: Orphanet 29072, MedGen C4274332, MONDO:0017366.

Allele frequency attached by ClinVar (database versions not stated): gnomAD exomes below 0.00001; TOPMed 0.00001.
gnomAD v4.1: 4 of 1,614,032 alleles (0.00025%); highest among the groups gnomAD compares: Admixed American, 0.0033%; no homozygotes.

Submissions (3):

Ambry Genetics
Classification: Uncertain significance for Hereditary cancer-predisposing syndrome. Last evaluated: 2025-05-20. Review status: criteria provided, single submitter. Criteria: Ambry Variant Classification Scheme 2023. Collection method: clinical testing. Allele origin: germline.
Comment: The c.-4C>G variant is located in the 5' untranslated region (5&rsquo; UTR) of the SDHC gene. This variant results from a C to G substitution 4 bases upstream from the first translated codon. This nucleotide position is highly conserved in available vertebrate species. Based on the available evidence, the clinical significance of this variant remains unclear.

Quest Diagnostics Nichols Institute San Juan Capistrano
Classification: Uncertain significance. Last evaluated: 2025-03-06. Review status: criteria provided, single submitter. Criteria: Quest Diagnostics criteria. Collection method: clinical testing. Allele origin: unknown.
Comment: The SDHC c.-4C>G variant has not been reported in individuals with SDHC-related conditions in the published literature. The frequency of this variant in the general population (Genome Aggregation Database) is uninformative in the assessment of its pathogenicity. Based on the available information, we are unable to determine the clinical significance of this variant.

All of Us Research Program, National Institutes of Health
Classification: Uncertain significance for Hereditary pheochromocytoma and paraganglioma. Last evaluated: 2023-04-03. Review status: criteria provided, single submitter. Criteria: ACMG Guidelines, 2015. Collection method: clinical testing. Allele origin: germline. Inheritance: Autosomal dominant inheritance. Observed: 1 variant allele, 1 heterozygote.
Comment: This variant causes a C to G nucleotide substitution at the -4 position in the 5' untranslated region of the SDHC gene. To our knowledge, functional studies have not been reported for this variant. This variant has not been reported in individuals affected with SDHC-related disorders in the literature. This variant has been identified in 1/251246 chromosomes in the general population by the Genome Aggregation Database (gnomAD). The available evidence is insufficient to determine the role of this variant in disease conclusively. Therefore, this variant is classified as a Variant of Uncertain Significance.

This study involves interpretation of variants in research participants for the purpose of population health screening. Participant phenotype was not available at the time of variant classification. Additional details can be found in publication PMID: 35346344, PMCID: PMC8962531